The following is an entry in ClinVar:

ClinVar aggregate classification (germline): Likely benign. Review status: criteria provided, multiple submitters, no conflicts (2 of 4 stars). 3 submissions from 3 submitters: Likely benign (2). 1 of the submissions does not count toward it. Last evaluated 2025-04-21.

Conditions:
LRP5-related disorder. Also called: LRP5-related condition.

Allele frequency attached by ClinVar (database versions not stated): ExAC 0.00001; gnomAD exomes 0.00003 and 0.00004; TOPMed 0.00003; gnomAD 0.00006.
gnomAD v4.1: 57 of 1,609,170 alleles (0.0035%); highest among the groups gnomAD compares: East Asian, 0.0067%; no homozygotes.

Submissions (3):

Labcorp Genetics (formerly Invitae), Labcorp
Classification: Likely benign. Last evaluated: 2025-04-21. Review status: criteria provided, single submitter. Criteria: Invitae Variant Classification Sherloc (09022015). Collection method: clinical testing. Allele origin: germline.

Blueprint Genetics
Classification: Likely benign. Last evaluated: 2023-05-23. Review status: criteria provided, single submitter. Criteria: ACMG Guidelines, 2015. Collection method: clinical testing. Allele origin: germline.

PreventionGenetics, part of Exact Sciences
Classification: Likely benign for LRP5-related condition. Last evaluated: 2022-09-21. Review status: no assertion criteria provided. Collection method: clinical testing. Allele origin: germline. Not counted in ClinVar's aggregate classification.
Comment: This variant is classified as likely benign based on ACMG/AMP sequence variant interpretation guidelines (Richards et al. 2015 PMID: 25741868, with internal and published modifications).

NM_002335.4(LRP5):c.4419C>T (p.Tyr1473=)

Gene: LRP5 (LDL receptor related protein 5; plus strand). Cytogenetic location: 11q13.2.
Variant type: single nucleotide variant.
Coding change: c.4419C>T on transcript NM_002335.4 (MANE Select); coding-DNA position 4419, C replaced by T.
Protein change: p.Tyr1473=; no amino-acid change (tyrosine 1473 retained).
Molecular consequence: synonymous variant.
Genome position (GRCh38, 1-based): chr11:68,439,847, C>T. VCF-style: chr11-68439847-C-T. GRCh37 (hg19) VCF-style: chr11-68207315-C-T.
Other names: c.2676C>T, p.Tyr892= (NM_001291902.2); c.4419C>T (NM_002335.3).
Identifiers: ClinVar variation 1086640 (VCV001086640.12), dbSNP rs757191543, ClinGen allele CA6150353.